The following is an entry in ClinVar:

NM_004064.5(CDKN1B):c.331G>C (p.Gly111Arg)

Gene: CDKN1B (cyclin dependent kinase inhibitor 1B; plus strand). Cytogenetic location: 12p13.1.
Variant type: single nucleotide variant.
Coding change: c.331G>C on transcript NM_004064.5 (MANE Select); coding-DNA position 331, G replaced by C.
Protein change: p.Gly111Arg; replaces glycine 111 with arginine.
Molecular consequence: missense variant.
Genome position (GRCh38, 1-based): chr12:12,718,170, G>C. VCF-style: chr12-12718170-G-C. GRCh37 (hg19) VCF-style: chr12-12871104-G-C.
Other names: c.331G>C (NM_004064.3); short protein forms G111R.
Identifiers: ClinVar variation 2068141 (VCV002068141.5), dbSNP rs2136356180, ClinGen allele CA383970255.

ClinVar aggregate classification (germline): Uncertain significance. Review status: criteria provided, multiple submitters, no conflicts (2 of 4 stars). 2 submissions from 2 submitters: Uncertain significance (2). Last evaluated 2026-01-25.

Conditions:
Hereditary cancer-predisposing syndrome. Also called: Neoplastic Syndromes, Hereditary; Tumor predisposition; Hereditary Cancer Syndrome; Hereditary neoplastic syndrome. Identifiers: Orphanet 140162, MedGen C0027672, MeSH D009386, MONDO:0015356.
Multiple endocrine neoplasia type 4. Also called: MULTIPLE ENDOCRINE NEOPLASIA, TYPE IV. Identifiers: Orphanet 276152, MedGen C1970712, MONDO:0012552, OMIM 610755.

Submissions (2):

Ambry Genetics
Classification: Uncertain significance for Hereditary cancer-predisposing syndrome. Last evaluated: 2026-01-25. Review status: criteria provided, single submitter. Criteria: Ambry Variant Classification Scheme 2023. Collection method: clinical testing. Allele origin: germline.
Comment: The p.G111R variant (also known as c.331G>C), located in coding exon 1 of the CDKN1B gene, results from a G to C substitution at nucleotide position 331. The glycine at codon 111 is replaced by arginine, an amino acid with dissimilar properties. This amino acid position is conserved. In addition, this alteration is predicted to be tolerated by in silico analysis. Based on the available evidence, the clinical significance of this variant remains unclear.

Labcorp Genetics (formerly Invitae), Labcorp
Classification: Uncertain significance for Multiple endocrine neoplasia type 4. Last evaluated: 2022-04-05. Review status: criteria provided, single submitter. Criteria: Invitae Variant Classification Sherloc (09022015). Collection method: clinical testing. Allele origin: germline.
Comment: This sequence change replaces glycine, which is neutral and non-polar, with arginine, which is basic and polar, at codon 111 of the CDKN1B protein (p.Gly111Arg). This variant is not present in population databases (gnomAD no frequency). This variant has not been reported in the literature in individuals affected with CDKN1B-related conditions. Algorithms developed to predict the effect of missense changes on protein structure and function are either unavailable or do not agree on the potential impact of this missense change (SIFT: "Deleterious"; PolyPhen-2: "Benign"; Align-GVGD: "Class C65"). In summary, the available evidence is currently insufficient to determine the role of this variant in disease. Therefore, it has been classified as a Variant of Uncertain Significance.